The following is an entry in ClinVar:

ClinVar aggregate classification (germline): Conflicting classifications of pathogenicity. Review status: criteria provided, conflicting classifications (1 of 4 stars). 2 submissions from 2 submitters: Uncertain significance (1); Likely benign (1). Last evaluated 2026-08-28.

Conditions:
Hereditary cancer-predisposing syndrome. Also called: Neoplastic Syndromes, Hereditary; Hereditary Cancer Syndrome; Tumor predisposition; Hereditary neoplastic syndrome. Identifiers: Orphanet 140162, MedGen C0027672, MeSH D009386, MONDO:0015356.

Allele frequency attached by ClinVar (database versions not stated): gnomAD exomes below 0.00001.
gnomAD v4.1: 1 of 1,613,814 alleles (0.000062%); highest among the groups gnomAD compares: Non-Finnish European, 0.000085%; no homozygotes.

Submissions (2):

Ambry Genetics
Classification: Likely benign for Hereditary cancer-predisposing syndrome. Last evaluated: 2026-08-28. Review status: criteria provided, single submitter. Criteria: Ambry Variant Classification Scheme 2023. Collection method: clinical testing. Allele origin: germline.

Labcorp Genetics (formerly Invitae), Labcorp
Classification: Uncertain significance. Last evaluated: 2026-01-26. Review status: criteria provided, single submitter. Criteria: Invitae Variant Classification Sherloc (09022015). Collection method: clinical testing. Allele origin: germline.
Comment: This sequence change replaces proline, which is neutral and non-polar, with serine, which is neutral and polar, at codon 182 of the CTNNA1 protein (p.Pro182Ser). This variant is not present in population databases (gnomAD no frequency). This variant has not been reported in the literature in individuals affected with CTNNA1-related conditions. ClinVar contains an entry for this variant (Variation ID: 937978). Invitae Evidence Modeling of protein sequence and biophysical properties (such as structural, functional, and spatial information, amino acid conservation, physicochemical variation, residue mobility, and thermodynamic stability) indicates that this missense variant is not expected to disrupt CTNNA1 protein function with a negative predictive value of 80%. In summary, the available evidence is currently insufficient to determine the role of this variant in disease. Therefore, it has been classified as a Variant of Uncertain Significance.

NM_001903.5(CTNNA1):c.544C>T (p.Pro182Ser)

Gene: CTNNA1 (catenin alpha 1; plus strand). Cytogenetic location: 5q31.2.
Variant type: single nucleotide variant.
Coding change: c.544C>T on transcript NM_001903.5 (MANE Select); coding-DNA position 544, C replaced by T.
Protein change: p.Pro182Ser; replaces proline 182 with serine.
Molecular consequence: missense variant.
Genome position (GRCh38, 1-based): chr5:138,812,258, C>T. VCF-style: chr5-138812258-C-T. GRCh37 (hg19) VCF-style: chr5-138147947-C-T.
Other names: c.544C>T, p.Pro182Ser (NM_001290307.3, NM_001323982.2, NM_001323983.1 and 3 more transcripts); c.235C>T, p.Pro79Ser (NM_001290309.3); c.175C>T, p.Pro59Ser (NM_001290310.3); c.544C>T (NM_001903.2); short protein forms P182S, P79S, P59S.
Identifiers: ClinVar variation 937978 (VCV000937978.10), dbSNP rs1758898643, ClinGen allele CA361125412.